The following is an entry in ClinVar:

NC_012920.1(MT-CO1):m.7158A>C

Gene: MT-CO1 (mitochondrially encoded cytochrome c oxidase I; plus strand).
Variant type: single nucleotide variant.
Genome position: chrM-7158-A-C.
Identifiers: ClinVar variation 692712 (VCV000692712.1), dbSNP rs878887002, ClinGen allele CA414791611.
Genomic context (GRCh38, chrMT:7,158, plus strand): 5'-CTATTCTCAGGCTACACCCTAGACCAAACCTACGCCAAAATCCATTTCACTATCATATTC[A>C]TCGGCGTAAATCTAACTTTCTTCCCACAACACTTTCTCGGCCTATCCGGAATGCCCCGAC-3'

ClinVar aggregate classification (germline): Likely benign (1 of 4 stars; one submission).

Conditions:
Leigh syndrome (NULS). Also called: Leigh's necrotizing encephalopathy; Leigh's disease; Leigh Syndrome (mtDNA deletion); Leigh Disease; Subacute necrotizing encephalopathy; Necrotizing encephalopathy infantile subacute of Leigh. Identifiers: Orphanet 506, MedGen C2931891, MONDO:0009723, OMIM 256000.

Submission:

Wong Mito Lab, Molecular and Human Genetics, Baylor College of Medicine
Classification: Likely benign for Leigh syndrome. Last evaluated: 2019-10-17. Review status: criteria provided, single submitter. Criteria: Modified ACMG Guidelines (Unpublished). Collection method: clinical testing. Allele origin: germline.
Comment: The NC_012920.1:m.7158A>C (YP_003024028.1:p.Ile419Leu) variant in MTCO1 gene is interpretated to be a Likely Benign variant based on the modified ACMG guidelines (unpublished). This variant meets the following evidence codes: BP4, BP5